The following is an entry in ClinVar:

ClinVar aggregate classification (germline): Pathogenic/Likely pathogenic. Review status: criteria provided, multiple submitters, no conflicts (2 of 4 stars). 6 submissions from 6 submitters: Pathogenic (3); Likely pathogenic (2). 1 of the submissions does not count toward it. Last evaluated 2026-09-24.

Conditions:
Spastic paraplegia. Identifiers: MedGen C0037772, HP:0001258.
Inborn genetic diseases. Identifiers: MedGen C0950123, MeSH D030342.
Charlevoix-Saguenay spastic ataxia (SACS). Also called: SPASTIC ATAXIA 6, AUTOSOMAL RECESSIVE; AUTOSOMAL RECESSIVE SPASTIC ATAXIA OF CHARLEVOIX-SAGUENAY; Spastic ataxia of Charlevoix-Saguenay. Identifiers: Orphanet 98, MedGen C1849140, MONDO:0010041, OMIM 270550.

Submissions (6):

GeneDx
Classification: Likely pathogenic. Last evaluated: 2026-09-24. Review status: criteria provided, single submitter. Criteria: GeneDx Variant Classification Process June 2021. Collection method: clinical testing. Allele origin: germline.
Comment: Frameshift variant predicted to result in abnormal protein length as the last 2200 amino acids are replaced with 11 different amino acids, and other similar variants have been reported in HGMD; Not observed at significant frequency in large population cohorts (gnomAD); Has not been previously published as pathogenic or benign to our knowledge

Women's Health and Genetics/Laboratory Corporation of America, LabCorp
Classification: Pathogenic for Charlevoix-Saguenay spastic ataxia. Last evaluated: 2025-03-21. Review status: criteria provided, single submitter. Criteria: LabCorp Variant Classification Summary - May 2015. Collection method: clinical testing. Allele origin: germline.
Comment: Variant summary: SACS c.7139delA (p.Asn2380IlefsX12) results in a premature termination codon, predicted to cause a truncation in the last exon that removes a large part of the 4579 amino acids long protein. The variant was absent in 250434 control chromosomes (gnomAD). To our knowledge, no occurrence of c.7139delA in individuals affected with Charlevoix-Saguenay spastic ataxia and no experimental evidence demonstrating its impact on protein function have been reported. Truncations downstream from this variant have been classified as pathogenic by our lab (and several others in ClinVar). ClinVar contains an entry for this variant (Variation ID: 370689). Based on the evidence outlined above, the variant was classified as pathogenic.

Labcorp Genetics (formerly Invitae), Labcorp
Classification: Pathogenic for Spastic paraplegia. Last evaluated: 2023-08-29. Review status: criteria provided, single submitter. Criteria: Invitae Variant Classification Sherloc (09022015). Collection method: clinical testing. Allele origin: germline.
Comment: For these reasons, this variant has been classified as Pathogenic. This variant disrupts a region of the SACS protein in which other variant(s) (p.Leu4303*, p.Gln4054*) have been determined to be pathogenic (PMID: 18465152, 27288452; Invitae). This suggests that this is a clinically significant region of the protein, and that variants that disrupt it are likely to be disease-causing. ClinVar contains an entry for this variant (Variation ID: 370689). This variant has not been reported in the literature in individuals affected with SACS-related conditions. This variant is not present in population databases (gnomAD no frequency). This sequence change creates a premature translational stop signal (p.Asn2380Ilefs*12) in the SACS gene. While this is not anticipated to result in nonsense mediated decay, it is expected to disrupt the last 2200 amino acid(s) of the SACS protein.

Genome-Nilou Lab
Classification: Likely pathogenic for Charlevoix-Saguenay spastic ataxia. Last evaluated: 2021-09-05. Review status: criteria provided, single submitter. Criteria: ACMG Guidelines, 2015. Collection method: clinical testing. Allele origin: germline. Affected: no.

Ambry Genetics
Classification: Pathogenic for Inborn genetic diseases. Last evaluated: 2017-05-26. Review status: criteria provided, single submitter. Criteria: Ambry exome assertion method (8-5-2015). Collection method: clinical testing. Allele origin: germline. Affected: yes. Observed: 1 variant allele.

Counsyl
Classification: Likely pathogenic for Charlevoix-Saguenay spastic ataxia. Last evaluated: 2016-03-22. Review status: no assertion criteria provided. Collection method: clinical testing. Allele origin: unknown. Not counted in ClinVar's aggregate classification.

Literature cited by the submitters: PubMed 18465152 (cited by Labcorp Genetics (formerly Invitae), Labcorp); PubMed 27288452 (cited by Labcorp Genetics (formerly Invitae), Labcorp and Ambry Genetics); PubMed 26288984 (cited by Ambry Genetics).

NM_014363.6(SACS):c.7139del (p.Asn2380fs)

Gene: SACS (sacsin molecular chaperone; minus strand). Cytogenetic location: 13q12.12.
Variant type: Deletion.
Coding change: c.7139del on transcript NM_014363.6 (MANE Select); coding-DNA position 7139, one base deleted (A; older notation c.7139delA).
Protein change: p.Asn2380fs; shifts the reading frame from asparagine 2380.
Molecular consequence: frameshift variant.
Genome position (GRCh38, 1-based): chr13:23,336,737, T deleted on the plus strand (A on the coding strand, the reverse complement: SACS is on the minus strand); the first of 5 consecutive T bases (chr13:23,336,737-23,336,741); deleting any one gives the same sequence. VCF-style (leftmost placement, unchanged base first): chr13-23336736-AT-A. GRCh37 (hg19) VCF-style: chr13-23910875-AT-A.
Other names: c.6698del, p.Asn2233fs (NM_001278055.2); c.7139delA (NM_014363.6); c.7139del (NM_014363.4); short protein forms N2380fs, N2233fs.
Identifiers: ClinVar variation 370689 (VCV000370689.21), dbSNP rs1057516689, ClinGen allele CA16041622.